The following is an entry in ClinVar:

ClinVar aggregate classification (germline): Uncertain significance (1 of 4 stars; one submission).

Conditions:
Hypertrophic cardiomyopathy. Also called: HYPERTROPHIC MYOCARDIOPATHY. Identifiers: Orphanet 217569, MedGen C0007194, MeSH D002312, MONDO:0005045, HP:0001639.

Submission:

Labcorp Genetics (formerly Invitae), Labcorp
Classification: Uncertain significance for Hypertrophic cardiomyopathy. Last evaluated: 2022-11-22. Review status: criteria provided, single submitter. Criteria: Invitae Variant Classification Sherloc (09022015). Collection method: clinical testing. Allele origin: germline.
Comment: In summary, the available evidence is currently insufficient to determine the role of this variant in disease. Therefore, it has been classified as a Variant of Uncertain Significance. Algorithms developed to predict the effect of missense changes on protein structure and function are either unavailable or do not agree on the potential impact of this missense change (SIFT: "Deleterious"; PolyPhen-2: "Benign"; Align-GVGD: "Class C15"). ClinVar contains an entry for this variant (Variation ID: 1480631). This variant has not been reported in the literature in individuals affected with MYBPC3-related conditions. This variant is not present in population databases (gnomAD no frequency). This sequence change replaces arginine, which is basic and polar, with glycine, which is neutral and non-polar, at codon 63 of the MYBPC3 protein (p.Arg63Gly).

NM_000256.3(MYBPC3):c.187C>G (p.Arg63Gly)

Gene: MYBPC3 (myosin binding protein C3; minus strand). Cytogenetic location: 11p11.2.
Variant type: single nucleotide variant.
Coding change: c.187C>G on transcript NM_000256.3 (MANE Select); coding-DNA position 187, C replaced by G.
Protein change: p.Arg63Gly; replaces arginine 63 with glycine.
Molecular consequence: missense variant.
Genome position (GRCh38, 1-based): chr11:47,351,344, G>C on the plus strand (C>G on the coding strand, the complement: MYBPC3 is on the minus strand). VCF-style: chr11-47351344-G-C. GRCh37 (hg19) VCF-style: chr11-47372895-G-C.
Other names: short protein forms R63G.
Identifiers: ClinVar variation 1480631 (VCV001480631.8), dbSNP rs373315466, ClinGen allele CA380341753.